The following is an entry in ClinVar:

ClinVar aggregate classification (germline): Conflicting classifications of pathogenicity. Review status: criteria provided, conflicting classifications (1 of 4 stars). 3 submissions from 3 submitters: Uncertain significance (2); Likely benign (1). Last evaluated 2024-02-06.

Conditions:
Combined immunodeficiency due to CD3gamma deficiency. Also called: Immunodeficiency 17; Immunodeficiency 17, CD3 gamma deficient; CD3-GAMMA DEFICIENCY; SCID-LIKE IMMUNODEFICIENCY, T CELL-PARTIAL, B CELL-POSITIVE, NK CELL-POSITIVE. Identifiers: Orphanet 169082, MedGen C3810107, MONDO:0014276, OMIM 615607.

Allele frequency attached by ClinVar (database versions not stated): gnomAD exomes 0.00001; TOPMed 0.00001.
gnomAD v4.1: 14 of 1,613,884 alleles (0.00087%); highest among the groups gnomAD compares: East Asian, 0.0067%; no homozygotes.

Submissions (3):

Ambry Genetics
Classification: Likely benign. Last evaluated: 2024-02-06. Review status: criteria provided, single submitter. Criteria: Ambry Variant Classification Scheme 2023. Collection method: clinical testing. Allele origin: germline.

Labcorp Genetics (formerly Invitae), Labcorp
Classification: Uncertain significance for Combined immunodeficiency due to CD3gamma deficiency. Last evaluated: 2024-01-02. Review status: criteria provided, single submitter. Criteria: Invitae Variant Classification Sherloc (09022015). Collection method: clinical testing. Allele origin: germline.
Comment: This sequence change replaces glycine, which is neutral and non-polar, with serine, which is neutral and polar, at codon 63 of the CD3G protein (p.Gly63Ser). This variant is present in population databases (rs755334490, gnomAD 0.01%). This variant has not been reported in the literature in individuals affected with CD3G-related conditions. ClinVar contains an entry for this variant (Variation ID: 572829). Algorithms developed to predict the effect of missense changes on protein structure and function output the following: SIFT: "Not Available"; PolyPhen-2: "Benign"; Align-GVGD: "Not Available". The serine amino acid residue is found in multiple mammalian species, which suggests that this missense change does not adversely affect protein function. In summary, the available evidence is currently insufficient to determine the role of this variant in disease. Therefore, it has been classified as a Variant of Uncertain Significance.

New York Genome Center
Classification: Uncertain significance for Combined immunodeficiency due to CD3gamma deficiency. Last evaluated: 2020-06-19. Review status: criteria provided, single submitter. Criteria: NYGC Assertion Criteria 2020. Collection method: clinical testing. Allele origin: germline. Observed: 1 heterozygote. Study: CSER-NYCKidSeq.

NM_000073.3(CD3G):c.187G>A (p.Gly63Ser)

Genes: CD3G (CD3 gamma subunit of T-cell receptor complex; plus strand), LOC126861358 (BRD4-independent group 4 enhancer GRCh37_chr11:118220212-118221411; plus strand). Cytogenetic location: 11q23.3.
Variant type: single nucleotide variant.
Coding change: c.187G>A on transcript NM_000073.3 (MANE Select); coding-DNA position 187, G replaced by A.
Protein change: p.Gly63Ser; replaces glycine 63 with serine.
Molecular consequence: missense variant.
Genome position (GRCh38, 1-based): chr11:118,349,850, G>A. VCF-style: chr11-118349850-G-A. GRCh37 (hg19) VCF-style: chr11-118220565-G-A.
Other names: short protein forms G63S.
Identifiers: ClinVar variation 572829 (VCV000572829.10), dbSNP rs755334490, ClinGen allele CA6302123.
Genomic context (GRCh38, chr11:118,349,850, plus strand): 5'-CTTCTGACTTGTGATGCAGAAGCCAAAAATATCACATGGTTTAAAGATGGGAAGATGATC[G>A]GCTTCCTAACTGAAGATAAAAAAAAATGGAATCTGGGAAGTAATGCCAAGGACCCTCGAG-3'
Protein context (NP_000064.1, residues 53-73): ITWFKDGKMI[Gly63Ser]FLTEDKKKWN